The following is an entry in ClinVar:

ClinVar aggregate classification (germline): Likely benign (1 of 4 stars; one submission).

Allele frequency attached by ClinVar (database versions not stated): ExAC 0.00095; gnomAD 0.00120; ESP Exome Variant Server 0.00294; 1000 Genomes Project 0.00339.

Submission:

CeGaT Center for Human Genetics Tuebingen
Classification: Likely benign. Last evaluated: 2023-03-01. Review status: criteria provided, single submitter. Criteria: CeGaT Center For Human Genetics Tuebingen Variant Classification Criteria Version 2. Collection method: clinical testing. Allele origin: germline. Affected: yes. Observed: 1 variant allele.
Comment: PRAMEF10: BP4, BP7, BS2

NM_001039361.4(PRAMEF10):c.750C>T (p.Ser250=)

Gene: PRAMEF10 (PRAME family member 10; minus strand). Cytogenetic location: 1p36.21.
Variant type: single nucleotide variant.
Coding change: c.750C>T on transcript NM_001039361.4 (MANE Select); coding-DNA position 750, C replaced by T.
Protein change: p.Ser250=; no amino-acid change (serine 250 retained).
Molecular consequence: synonymous variant.
Genome position (GRCh38, 1-based): chr1:12,894,702, G>A on the plus strand (C>T on the coding strand, the complement: PRAMEF10 is on the minus strand). VCF-style: chr1-12894702-G-A. GRCh37 (hg19) VCF-style: chr1-12954533-G-A.
Identifiers: ClinVar variation 2638279 (VCV002638279.24), dbSNP rs75427689, ClinGen allele CA18162010.